The following is an entry in ClinVar:

ClinVar aggregate classification (germline): Uncertain significance (1 of 4 stars; one submission).

gnomAD v4.1: 1 of 1,614,190 alleles (0.000062%); highest among the groups gnomAD compares: South Asian, 0.0011%; no homozygotes.

Submission:

GeneDx
Classification: Uncertain significance. Last evaluated: 2024-02-28. Review status: criteria provided, single submitter. Criteria: GeneDx Variant Classification Process June 2021. Collection method: clinical testing. Allele origin: germline. Affected: yes.
Comment: Not observed at significant frequency in large population cohorts (gnomAD); In silico analysis supports that this missense variant has a deleterious effect on protein structure/function; Has not been previously published as pathogenic or benign to our knowledge

NM_001282534.2(KCNK9):c.505G>A (p.Gly169Arg)

Gene: KCNK9 (potassium two pore domain channel subfamily K member 9; minus strand). Cytogenetic location: 8q24.3.
Variant type: single nucleotide variant.
Coding change: c.505G>A on transcript NM_001282534.2 (MANE Select); coding-DNA position 505, G replaced by A.
Protein change: p.Gly169Arg; replaces glycine 169 with arginine.
Molecular consequence: missense variant. On other transcripts: non-coding transcript variant (1).
Genome position (GRCh38, 1-based): chr8:139,618,878, C>T on the plus strand (G>A on the coding strand, the complement: KCNK9 is on the minus strand). VCF-style: chr8-139618878-C-T. GRCh37 (hg19) VCF-style: chr8-140631121-C-T.
Other names: short protein forms G169R.
Identifiers: ClinVar variation 3373506 (VCV003373506.1).
Genomic context (GRCh38, chr8:139,618,878, plus strand): 5'-CGTGGAAGAAGCTCCACTCCTCACACTGGGAGAAGGCGGCCGCCCCGATGCACAGCGTCC[C>T]CATGCAGGAGAAGAAGCCCACAGTCACCATGTTCTCCATAGACACGTCAGTGTTGCGCAT-3'
Protein context (NP_001269463.1, residues 159-179): MVTVGFFSCM[Gly169Arg]TLCIGAAAFS